The following is an entry in ClinVar:

ClinVar aggregate classification (germline): Likely benign (1 of 4 stars; one submission).

Allele frequency attached by ClinVar (database versions not stated): ExAC 0.00001.

Submission:

GeneDx
Classification: Likely benign. Last evaluated: 2017-04-28. Review status: criteria provided, single submitter. Criteria: GeneDx Variant Classification (06012015). Collection method: clinical testing. Allele origin: germline. Affected: yes.
Comment: This variant is considered likely benign or benign based on one or more of the following criteria: it is a conservative change, it occurs at a poorly conserved position in the protein, it is predicted to be benign by multiple in silico algorithms, and/or has population frequency not consistent with disease.

NM_001130438.3(SPTAN1):c.5688C>A (p.Thr1896=)

Gene: SPTAN1 (spectrin alpha, non-erythrocytic 1; plus strand). Cytogenetic location: 9q34.11.
Variant type: single nucleotide variant.
Coding change: c.5688C>A on transcript NM_001130438.3 (MANE Select); coding-DNA position 5688, C replaced by A.
Protein change: p.Thr1896=; no amino-acid change (threonine 1896 retained).
Molecular consequence: synonymous variant.
Genome position (GRCh38, 1-based): chr9:128,618,958, C>A. VCF-style: chr9-128618958-C-A. GRCh37 (hg19) VCF-style: chr9-131381237-C-A.
Other names: c.5613C>A, p.Thr1871= (NM_001195532.2); c.5688C>A, p.Thr1896= (NM_001363759.2); c.5628C>A, p.Thr1876= (NM_001363765.2); c.5673C>A, p.Thr1891= (NM_003127.4).
Identifiers: ClinVar variation 516925 (VCV000516925.1), dbSNP rs749391487, ClinGen allele CA5265531.
Genomic context (GRCh38, chr9:128,618,958, plus strand): 5'-ATATCAGCAGTTTGTAGCCAATGTGGAAGAGGAAGAAGCCTGGATCAATGAGAAAATGAC[C>A]CTGGTGGCCAGCGAAGATTATGGCGACACTCTTGCCGCCATCCAGGTGAGACAGAAACCA-3'
Protein context (NP_001123910.1, residues 1886-1906): EEEAWINEKM[Thr1896=]LVASEDYGDT